The following is an entry in ClinVar:

ClinVar aggregate classification (germline): Uncertain significance. Review status: criteria provided, multiple submitters, no conflicts (2 of 4 stars). 2 submissions from 2 submitters: Uncertain significance (2). Last evaluated 2021-10-21.

Conditions:
Hereditary spastic paraplegia 11. Also called: Spastic paraplegia, mental retardation and thin corpus callosum; SPASTIC PARAPLEGIA, AUTOSOMAL RECESSIVE, COMPLICATED, WITH THIN CORPUS CALLOSUM; SPASTIC PARAPLEGIA, AUTOSOMAL RECESSIVE, WITH MENTAL IMPAIRMENT AND THIN CORPUS CALLOSUM; Nakamura Osame syndrome; Autosomal recessive hereditary spastic paraplegia, mental impairment, and thin corpus callosum; Spastic Paraplegia 11. Identifiers: Orphanet 2822, MedGen C1858479, MONDO:0011445, OMIM 604360.
Inborn genetic diseases. Identifiers: MedGen C0950123, MeSH D030342.

Allele frequency attached by ClinVar (database versions not stated): gnomAD 0.00001; TOPMed 0.00002; ESP Exome Variant Server 0.00008.
gnomAD v4.1: 128 of 1,613,772 alleles (0.0079%); highest among the groups gnomAD compares: East Asian, 0.2%; no homozygotes.

Submissions (2):

Labcorp Genetics (formerly Invitae), Labcorp
Classification: Uncertain significance for Hereditary spastic paraplegia 11. Last evaluated: 2021-10-21. Review status: criteria provided, single submitter. Criteria: Invitae Variant Classification Sherloc (09022015). Collection method: clinical testing. Allele origin: germline.
Comment: This sequence change replaces leucine with phenylalanine at codon 1645 of the SPG11 protein (p.Leu1645Phe). The leucine residue is highly conserved and there is a small physicochemical difference between leucine and phenylalanine. This variant is present in population databases (rs147735958, ExAC 0.09%). This variant has not been reported in the literature in individuals affected with SPG11-related conditions. Algorithms developed to predict the effect of missense changes on protein structure and function are either unavailable or do not agree on the potential impact of this missense change (SIFT: "Deleterious"; PolyPhen-2: "Probably Damaging"; Align-GVGD: "Class C0"). In summary, the available evidence is currently insufficient to determine the role of this variant in disease. Therefore, it has been classified as a Variant of Uncertain Significance.

Ambry Genetics
Classification: Uncertain significance for Inborn genetic diseases. Last evaluated: 2021-09-16. Review status: criteria provided, single submitter. Criteria: Ambry Variant Classification Scheme 2023. Collection method: clinical testing. Allele origin: germline.
Comment: The p.L1645F variant (also known as c.4933C>T), located in coding exon 29 of the SPG11 gene, results from a C to T substitution at nucleotide position 4933. The leucine at codon 1645 is replaced by phenylalanine, an amino acid with highly similar properties. This amino acid position is conserved. In addition, the in silico prediction for this alteration is inconclusive. Since supporting evidence is limited at this time, the clinical significance of this alteration remains unclear.

NM_025137.4(SPG11):c.4933C>T (p.Leu1645Phe)

Gene: SPG11 (SPG11 vesicle trafficking associated, spatacsin; minus strand). Cytogenetic location: 15q21.1.
Variant type: single nucleotide variant.
Coding change: c.4933C>T on transcript NM_025137.4 (MANE Select); coding-DNA position 4933, C replaced by T.
Protein change: p.Leu1645Phe; replaces leucine 1645 with phenylalanine.
Molecular consequence: missense variant.
Genome position (GRCh38, 1-based): chr15:44,585,824, G>A on the plus strand (C>T on the coding strand, the complement: SPG11 is on the minus strand). VCF-style: chr15-44585824-G-A. GRCh37 (hg19) VCF-style: chr15-44878022-G-A.
Other names: c.4933C>T, p.Leu1645Phe (NM_001160227.2); short protein forms L1645F.
Identifiers: ClinVar variation 570271 (VCV000570271.8), dbSNP rs147735958, ClinGen allele CA7534525.